The following is an entry in ClinVar:

ClinVar aggregate classification (germline): Uncertain significance. Review status: criteria provided, multiple submitters, no conflicts (2 of 4 stars). 2 submissions from 2 submitters: Uncertain significance (2). Last evaluated 2026-01-27.

Conditions:
2-aminoadipic 2-oxoadipic aciduria (AAKAD). Also called: Aminoadipic aciduria; ALPHA-AMINOADIPIC AND ALPHA-KETOADIPIC ACIDURIA. Identifiers: Orphanet 79154, MedGen C1859817, MONDO:0008774, OMIM 204750.

Allele frequency attached by ClinVar (database versions not stated): gnomAD 0.00001; gnomAD exomes 0.00001 and 0.00003; TOPMed 0.00001; ExAC 0.00002.
gnomAD v4.1: 49 of 1,613,956 alleles (0.003%); highest among the groups gnomAD compares: Non-Finnish European, 0.0037%; no homozygotes.

Submissions (2):

Labcorp Genetics (formerly Invitae), Labcorp
Classification: Uncertain significance for 2-aminoadipic 2-oxoadipic aciduria. Last evaluated: 2026-01-27. Review status: criteria provided, single submitter. Criteria: Invitae Variant Classification Sherloc (09022015). Collection method: clinical testing. Allele origin: germline.
Comment: This sequence change replaces arginine, which is basic and polar, with glutamine, which is neutral and polar, at codon 410 of the DHTKD1 protein (p.Arg410Gln). This variant is present in population databases (rs748482829, gnomAD 0.002%). This variant has not been reported in the literature in individuals affected with DHTKD1-related conditions. ClinVar contains an entry for this variant (Variation ID: 1328124). Invitae Evidence Modeling of protein sequence and biophysical properties (such as structural, functional, and spatial information, amino acid conservation, physicochemical variation, residue mobility, and thermodynamic stability) indicates that this missense variant is not expected to disrupt DHTKD1 protein function with a negative predictive value of 80%. In summary, the available evidence is currently insufficient to determine the role of this variant in disease. Therefore, it has been classified as a Variant of Uncertain Significance.

Illumina Laboratory Services, Illumina
Classification: Uncertain significance for 2-aminoadipic 2-oxoadipic aciduria. Last evaluated: 2021-08-19. Review status: criteria provided, single submitter. Criteria: ICSLVariantClassificationCriteria RUGD 01 April 2020. Collection method: clinical testing. Allele origin: unknown.
Comment: The DHTKD1 c.1229G>A (p.Arg410Gln) variant is a missense variant. A literature search was performed for the gene, cDNA change, and amino acid change. No publications were found based on this search. This variant is reported at a frequency of 0.000031 in the European (non-Finnish) population of the Genome Aggregation Database (version 2.1.1). Based on the limited evidence the p.Arg410Gln variant is classified as a variant of uncertain significance for alpha-aminoadipic and alpha-ketoadipic aciduria.

NM_018706.7(DHTKD1):c.1229G>A (p.Arg410Gln)

Gene: DHTKD1 (dehydrogenase E1 and transketolase domain containing 1; plus strand). Cytogenetic location: 10p14.
Variant type: single nucleotide variant.
Coding change: c.1229G>A on transcript NM_018706.7 (MANE Select); coding-DNA position 1229, G replaced by A.
Protein change: p.Arg410Gln; replaces arginine 410 with glutamine.
Molecular consequence: missense variant.
Genome position (GRCh38, 1-based): chr10:12,094,142, G>A. VCF-style: chr10-12094142-G-A. GRCh37 (hg19) VCF-style: chr10-12136141-G-A.
Other names: short protein forms R410Q.
Identifiers: ClinVar variation 1328124 (VCV001328124.9), dbSNP rs748482829, ClinGen allele CA5407787.
Genomic context (GRCh38, chr10:12,094,142, plus strand): 5'-TGGGCTGTGCCATCATCCATGTCAATGGAGACAGCCCAGAGGAAGTGGTCCGTGCCACAC[G>A]ACTGGCTTTTGAATACCAACGCCAGTTCCGCAAGGATGTGATTATTGATCTGTTGTGCTA-3'
Protein context (NP_061176.4, residues 400-420): DSPEEVVRAT[Arg410Gln]LAFEYQRQFR